The following is an entry in ClinVar:

ClinVar aggregate classification (germline): Uncertain significance (1 of 4 stars; one submission).

Conditions:
Brugada syndrome 4 (BRGDA4). Identifiers: Orphanet 130, MedGen C2678477, MONDO:0012743, OMIM 611876.

gnomAD v4.1: 2 of 1,588,260 alleles (0.00013%); highest among the groups gnomAD compares: African/African-American, 0.0013%; no homozygotes.

Submission:

Labcorp Genetics (formerly Invitae), Labcorp
Classification: Uncertain significance for Brugada syndrome 4. Last evaluated: 2023-11-15. Review status: criteria provided, single submitter. Criteria: Invitae Variant Classification Sherloc (09022015). Collection method: clinical testing. Allele origin: germline.
Comment: This sequence change falls in intron 7 of the CACNB2 gene. It does not directly change the encoded amino acid sequence of the CACNB2 protein. It affects a nucleotide within the consensus splice site. This variant is not present in population databases (gnomAD no frequency). This variant has not been reported in the literature in individuals affected with CACNB2-related conditions. Variants that disrupt the consensus splice site are a relatively common cause of aberrant splicing (PMID: 17576681, 9536098). Algorithms developed to predict the effect of sequence changes on RNA splicing suggest that this variant is not likely to affect RNA splicing. In summary, the available evidence is currently insufficient to determine the role of this variant in disease. Therefore, it has been classified as a Variant of Uncertain Significance.

Literature cited by the submitters: PubMed 17576681; PubMed 9536098.

NM_201596.3(CACNB2):c.885+4G>A

Gene: CACNB2 (calcium voltage-gated channel auxiliary subunit beta 2; plus strand). Cytogenetic location: 10p12.31.
Variant type: single nucleotide variant.
Coding change: c.885+4G>A on transcript NM_201596.3 (MANE Select); 4 bases into the intron after coding-DNA position 885, G replaced by A.
Molecular consequence: intron variant.
Genome position (GRCh38, 1-based): chr10:18,518,420, G>A. VCF-style: chr10-18518420-G-A. GRCh37 (hg19) VCF-style: chr10-18807349-G-A.
Other names: c.801+4G>A (NM_201571.4); c.687+4G>A (NM_001167945.2); c.729+4G>A (NM_201572.4); c.771+4G>A (NM_201593.3); c.813+4G>A (NM_201597.3); c.720+4G>A (NM_000724.4); c.606+4G>A (NM_001330060.2); c.723+4G>A (NM_201590.3); and 2 more.
Identifiers: ClinVar variation 3014116 (VCV003014116.3), dbSNP rs781716255, ClinGen allele CA2608448357.
Genomic context (GRCh38, chr10:18,518,420, plus strand): 5'-GTGGTACCTTCCATGCGACCAGTGGTCCTAGTGGGCCCTTCTCTGAAGGGCTACGAGGTG[G>A]GTAGCAGCCTTCCACAGGAAGCTTAACTTGCATGCTGAACTTCTTTGTGATGCTGCCTCC-3'